The following is an entry in ClinVar:

ClinVar aggregate classification (germline): Likely pathogenic (1 of 4 stars; one submission).

Conditions:
Hyperekplexia 1 (STHE). Also called: STARTLE DISEASE, FAMILIAL; STIFF-BABY SYNDROME; STIFF-MAN SYNDROME, CONGENITAL; STIFF-PERSON SYNDROME, CONGENITAL; HYPEREKPLEXIA 1, AUTOSOMAL DOMINANT; HYPEREKPLEXIA 1, AUTOSOMAL RECESSIVE. Identifiers: Orphanet 3197, MedGen C4551954, MONDO:0007868, OMIM 149400.

Submission:

Institute of Human Genetics, University of Leipzig Medical Center
Classification: Likely pathogenic for Hyperekplexia 1. Last evaluated: 2026-03-03. Review status: criteria provided, single submitter. Criteria: ACMG Guidelines, 2015. Collection method: clinical testing. Allele origin: maternal. Inheritance: Autosomal dominant inheritance. Affected: yes.
Comment: Criteria applied: PM1,PM2,PP2,PP3

NM_000171.4(GLRA1):c.286T>A (p.Trp96Arg)

Gene: GLRA1 (glycine receptor alpha 1; minus strand). Cytogenetic location: 5q33.1.
Variant type: single nucleotide variant.
Coding change: c.286T>A on transcript NM_000171.4 (MANE Select); coding-DNA position 286, T replaced by A.
Protein change: p.Trp96Arg; replaces tryptophan 96 with arginine.
Molecular consequence: missense variant.
Genome position (GRCh38, 1-based): chr5:151,859,975, A>T on the plus strand (T>A on the coding strand, the complement: GLRA1 is on the minus strand). VCF-style: chr5-151859975-A-T. GRCh37 (hg19) VCF-style: chr5-151239536-A-T.
Other names: c.286T>A, p.Trp96Arg (NM_001146040.2); c.37T>A, p.Trp13Arg (NM_001292000.2); short protein forms W13R, W96R.
Identifiers: ClinVar variation 4819188 (VCV004819188.1).